The following is an entry in ClinVar:

ClinVar aggregate classification (germline): Benign. Review status: criteria provided, multiple submitters, no conflicts (2 of 4 stars). 3 submissions from 3 submitters: Benign (2). 1 of the submissions does not count toward it. Last evaluated 2021-12-05.

Conditions:
Urocanate hydratase deficiency (UROCD). Also called: Urocanic aciduria; UROCANASE DEFICIENCY. Identifiers: Orphanet 210128, MedGen C0268514, MONDO:0010167, OMIM 276880, HP:0012237.

Allele frequency attached by ClinVar (database versions not stated): 1000 Genomes Project 30x 0.39959; 1000 Genomes Project 0.40915; gnomAD 0.42399 and 0.42662; TOPMed 0.42663; ESP Exome Variant Server 0.42665; ExAC 0.47239; gnomAD exomes 0.47975 and 0.51488.
gnomAD v4.1: 816,257 of 1,613,264 alleles (51%); highest among the groups gnomAD compares: Non-Finnish European, 53%; 211,071 homozygotes.

Submissions (3):

Genome-Nilou Lab
Classification: Benign for Urocanate hydratase deficiency. Last evaluated: 2021-12-05. Review status: criteria provided, single submitter. Criteria: ACMG Guidelines, 2015. Collection method: clinical testing. Allele origin: germline. Affected: no.

Breakthrough Genomics
Classification: Benign. Review status: criteria provided, single submitter. Criteria: ACMG Guidelines, 2015. Collection method: not provided. Allele origin: germline. Inheritance: Autosomal recessive inheritance. Affected: yes.

Genetic Services Laboratory, University of Chicago
Classification: Likely benign for AllHighlyPenetrant. Review status: no assertion criteria provided. Collection method: clinical testing. Allele origin: germline. Inheritance: Autosomal recessive inheritance. Not counted in ClinVar's aggregate classification.
Comment: Likely benign based on allele frequency in 1000 Genomes Project or ESP global frequency and its presence in a patient with a rare or unrelated disease phenotype. NOT Sanger confirmed.

NM_144639.3(UROC1):c.1845C>T (p.Ala615=)

Gene: UROC1 (urocanate hydratase 1; minus strand). Cytogenetic location: 3q21.3.
Variant type: single nucleotide variant.
Coding change: c.1845C>T on transcript NM_144639.3 (MANE Select); coding-DNA position 1845, C replaced by T.
Protein change: p.Ala615=; no amino-acid change (alanine 615 retained).
Molecular consequence: synonymous variant.
Genome position (GRCh38, 1-based): chr3:126,483,414, G>A on the plus strand (C>T on the coding strand, the complement: UROC1 is on the minus strand). VCF-style: chr3-126483414-G-A. GRCh37 (hg19) VCF-style: chr3-126202257-G-A.
Other names: c.2025C>T, p.Ala675= (NM_001165974.2).
Identifiers: ClinVar variation 130699 (VCV000130699.8), dbSNP rs1687477, ClinGen allele CA155904.